The following is an entry in ClinVar:

ClinVar aggregate classification (germline): Uncertain significance (1 of 4 stars; one submission).

Allele frequency attached by ClinVar (database versions not stated): gnomAD exomes below 0.00001.
gnomAD v4.1: 2 of 1,612,502 alleles (0.00012%); highest among the groups gnomAD compares: African/African-American, 0.0013%; no homozygotes.

Submission:

Labcorp Genetics (formerly Invitae), Labcorp
Classification: Uncertain significance. Last evaluated: 2021-03-22. Review status: criteria provided, single submitter. Criteria: Invitae Variant Classification Sherloc (09022015). Collection method: clinical testing. Allele origin: germline.
Comment: This variant is not present in population databases (ExAC no frequency). In summary, the available evidence is currently insufficient to determine the role of this variant in disease. Therefore, it has been classified as a Variant of Uncertain Significance. Algorithms developed to predict the effect of missense changes on protein structure and function (SIFT, PolyPhen-2, Align-GVGD) all suggest that this variant is likely to be tolerated, but these predictions have not been confirmed by published functional studies and their clinical significance is uncertain. This variant has not been reported in the literature in individuals with FLVCR1-related conditions. This sequence change replaces serine with asparagine at codon 536 of the FLVCR1 protein (p.Ser536Asn). The serine residue is weakly conserved and there is a small physicochemical difference between serine and asparagine.

NM_014053.4(FLVCR1):c.1607G>A (p.Ser536Asn)

Gene: FLVCR1 (FLVCR choline and heme transporter 1; plus strand). Cytogenetic location: 1q32.3.
Variant type: single nucleotide variant.
Coding change: c.1607G>A on transcript NM_014053.4 (MANE Select); coding-DNA position 1607, G replaced by A.
Protein change: p.Ser536Asn; replaces serine 536 with asparagine.
Molecular consequence: missense variant.
Genome position (GRCh38, 1-based): chr1:212,895,229, G>A. VCF-style: chr1-212895229-G-A. GRCh37 (hg19) VCF-style: chr1-213068571-G-A.
Other names: short protein forms S536N.
Identifiers: ClinVar variation 1518258 (VCV001518258.8), dbSNP rs377365978, ClinGen allele CA36900343.